The following is an entry in ClinVar:

ClinVar aggregate classification (germline): Uncertain significance (1 of 4 stars; one submission).

Conditions:
Charcot-Marie-Tooth disease dominant intermediate B (CMTDIB). Also called: CHARCOT-MARIE-TOOTH NEUROPATHY, DOMINANT INTERMEDIATE B; Charcot-Marie-Tooth disease dominant intermediate 1; CMT DI1; Charcot-Marie-Tooth disease dominant intermediate I. Identifiers: Orphanet 100044, Orphanet 228179, MedGen C1847902, MONDO:0011674, OMIM 606482.

Submissions (2):

Labcorp Genetics (formerly Invitae), Labcorp
Classification: Uncertain significance for Charcot-Marie-Tooth disease, dominant intermediate B. Last evaluated: 2019-06-11. Review status: criteria provided, single submitter. Criteria: Invitae Variant Classification Sherloc (09022015). Collection method: clinical testing. Allele origin: germline.
Comment: This sequence change falls in intron 20 of the DNM2 gene. It does not directly change the encoded amino acid sequence of the DNM2 protein, but it affects a nucleotide within the consensus splice site of the intron. This variant is not present in population databases (ExAC no frequency). This variant has not been reported in the literature in individuals with DNM2-related conditions. Nucleotide substitutions within the consensus splice site are a relatively common cause of aberrant splicing (PMID: 17576681, 9536098). Algorithms developed to predict the effect of sequence changes on RNA splicing suggest that this variant is not likely to affect RNA splicing, but this prediction has not been confirmed by published transcriptional studies. In summary, the available evidence is currently insufficient to determine the role of this variant in disease. Therefore, it has been classified as a Variant of Uncertain Significance.

Dr. Peter K. Rogan Lab, Western University
No classification provided (evidence only). Condition: Ovarian serous cystadenocarcinoma. Review status: no classification provided. Collection method: in vitro. Allele origin: not applicable. Functional consequence: retained intron. Not counted in ClinVar's aggregate classification.

NM_001005361.3(DNM2):c.2544-3C>T

Gene: DNM2 (dynamin 2; plus strand). Cytogenetic location: 19p13.2.
Variant type: single nucleotide variant.
Coding change: c.2544-3C>T on transcript NM_001005361.3 (MANE Select); 3 bases into the intron before coding-DNA position 2544, C replaced by T.
Molecular consequence: intron variant.
Genome position (GRCh38, 1-based): chr19:10,830,975, C>T. VCF-style: chr19-10830975-C-T. GRCh37 (hg19) VCF-style: chr19-10941651-C-T.
Other names: NC_000019.9:g.10941651C>T; c.2544-3C>T (NM_001005360.3); c.2544-6C>T (NM_001190716.2); c.2532-3C>T (NM_004945.4, NM_001005362.3).
Identifiers: ClinVar variation 941013 (VCV000941013.2), dbSNP rs2073330199, ClinGen allele CA1139666233.